The following is an entry in ClinVar:

NM_001134831.2(AHI1):c.532G>A (p.Glu178Lys)

Gene: AHI1 (Abelson helper integration site 1; minus strand). Cytogenetic location: 6q23.3.
Variant type: single nucleotide variant.
Coding change: c.532G>A on transcript NM_001134831.2 (MANE Select); coding-DNA position 532, G replaced by A.
Protein change: p.Glu178Lys; replaces glutamic acid 178 with lysine.
Molecular consequence: missense variant.
Genome position (GRCh38, 1-based): chr6:135,466,031, C>T on the plus strand (G>A on the coding strand, the complement: AHI1 is on the minus strand). VCF-style: chr6-135466031-C-T. GRCh37 (hg19) VCF-style: chr6-135787169-C-T.
Other names: c.532G>A, p.Glu178Lys (NM_001134830.2, NM_001134832.2, NM_001350503.2 and 2 more transcripts); short protein forms E178K.
Identifiers: ClinVar variation 841942 (VCV000841942.9), dbSNP rs1245690441, ClinGen allele CA365751458.

ClinVar aggregate classification (germline): Uncertain significance. Review status: criteria provided, multiple submitters, no conflicts (2 of 4 stars). 3 submissions from 3 submitters: Uncertain significance (3). Last evaluated 2025-08-14.

Conditions:
Inborn genetic diseases. Identifiers: MedGen C0950123, MeSH D030342.
Joubert syndrome. Also called: CEREBELLOPARENCHYMAL DISORDER IV; JOUBERT-BOLTSHAUSER SYNDROME; Familial aplasia of the vermis. Identifiers: Orphanet 475, MedGen C5979921, MONDO:0018772.
Joubert syndrome 3 (JBTS3). Also called: AHI1-related Ciliopathy. Identifiers: Orphanet 220493, MedGen C1837713, MONDO:0012078, OMIM 608629.

Allele frequency attached by ClinVar (database versions not stated): gnomAD exomes below 0.00001; gnomAD 0.00001; TOPMed 0.00003.
gnomAD v4.1: 3 of 1,613,850 alleles (0.00019%); highest among the groups gnomAD compares: African/African-American, 0.0027%; no homozygotes.

Submissions (3):

Ambry Genetics
Classification: Uncertain significance for Inborn genetic diseases. Last evaluated: 2025-08-14. Review status: criteria provided, single submitter. Criteria: Ambry Variant Classification Scheme 2023. Collection method: clinical testing. Allele origin: germline.

Labcorp Genetics (formerly Invitae), Labcorp
Classification: Uncertain significance for Joubert syndrome. Last evaluated: 2022-06-27. Review status: criteria provided, single submitter. Criteria: Invitae Variant Classification Sherloc (09022015). Collection method: clinical testing. Allele origin: germline.
Comment: This sequence change replaces glutamic acid, which is acidic and polar, with lysine, which is basic and polar, at codon 178 of the AHI1 protein (p.Glu178Lys). This variant is present in population databases (no rsID available, gnomAD 0.01%). This variant has not been reported in the literature in individuals affected with AHI1-related conditions. ClinVar contains an entry for this variant (Variation ID: 841942). Advanced modeling of protein sequence and biophysical properties (such as structural, functional, and spatial information, amino acid conservation, physicochemical variation, residue mobility, and thermodynamic stability) performed at Invitae indicates that this missense variant is not expected to disrupt AHI1 protein function. In summary, the available evidence is currently insufficient to determine the role of this variant in disease. Therefore, it has been classified as a Variant of Uncertain Significance.

Fulgent Genetics
Classification: Uncertain significance for Joubert syndrome 3. Last evaluated: 2021-12-08. Review status: criteria provided, single submitter. Criteria: ACMG Guidelines, 2015. Collection method: clinical testing. Allele origin: unknown.